The following is an entry in ClinVar:

ClinVar aggregate classification (germline): Uncertain significance. Review status: criteria provided, single submitter (1 of 4 stars). 2 submissions from 2 submitters: Uncertain significance (1). 1 of the submissions does not count toward it. Last evaluated 2022-01-04.

Conditions:
Very long chain acyl-CoA dehydrogenase deficiency (ACADVLD). Also called: Very Long-Chain Acyl-Coenzyme A Dehydrogenase Deficiency; VLCAD Deficiency. Identifiers: Orphanet 26793, MedGen C3887523, MONDO:0008723, OMIM 201475.

Allele frequency attached by ClinVar (database versions not stated): gnomAD exomes below 0.00001; gnomAD 0.00001; TOPMed 0.00001.
gnomAD v4.1: 4 of 1,614,006 alleles (0.00025%); highest among the groups gnomAD compares: Non-Finnish European, 0.00034%; no homozygotes.

Submissions (2):

Labcorp Genetics (formerly Invitae), Labcorp
Classification: Uncertain significance for Very long chain acyl-CoA dehydrogenase deficiency. Last evaluated: 2022-01-04. Review status: criteria provided, single submitter. Criteria: Invitae Variant Classification Sherloc (09022015). Collection method: clinical testing. Allele origin: germline.
Comment: This sequence change replaces proline, which is neutral and non-polar, with leucine, which is neutral and non-polar, at codon 236 of the ACADVL protein (p.Pro236Leu). This variant is not present in population databases (gnomAD no frequency). This variant has not been reported in the literature in individuals affected with ACADVL-related conditions. ClinVar contains an entry for this variant (Variation ID: 991126). Algorithms developed to predict the effect of missense changes on protein structure and function are either unavailable or do not agree on the potential impact of this missense change (SIFT: "Deleterious"; PolyPhen-2: "Benign"; Align-GVGD: "Class C0"). In summary, the available evidence is currently insufficient to determine the role of this variant in disease. Therefore, it has been classified as a Variant of Uncertain Significance.

Natera, Inc.
Classification: Uncertain significance for Very long chain acyl-CoA dehydrogenase deficiency. Last evaluated: 2020-09-30. Review status: no assertion criteria provided. Collection method: clinical testing. Allele origin: germline. Not counted in ClinVar's aggregate classification.

NM_000018.4(ACADVL):c.707C>T (p.Pro236Leu)

Gene: ACADVL (acyl-CoA dehydrogenase very long chain; plus strand). Cytogenetic location: 17p13.1.
Variant type: single nucleotide variant.
Coding change: c.707C>T on transcript NM_000018.4 (MANE Select); coding-DNA position 707, C replaced by T.
Protein change: p.Pro236Leu; replaces proline 236 with leucine.
Molecular consequence: missense variant.
Genome position (GRCh38, 1-based): chr17:7,222,036, C>T. VCF-style: chr17-7222036-C-T. GRCh37 (hg19) VCF-style: chr17-7125355-C-T.
Other names: c.641C>T, p.Pro214Leu (NM_001033859.3); c.776C>T, p.Pro259Leu (NM_001270447.2); c.479C>T, p.Pro160Leu (NM_001270448.2); short protein forms P160L, P214L, P236L, P259L.
Identifiers: ClinVar variation 991126 (VCV000991126.3), dbSNP rs1336637427, ClinGen allele CA397723506.
Genomic context (GRCh38, chr17:7,222,036, plus strand): 5'-TAACCGAGCCCTCAAGCGGGTCAGATGCAGCCTCCATCCGAACCTCTGCTGTGCCCAGCC[C>T]CTGTGGAAAATACTATACCCTCAATGGAAGCAAGCTTTGGATCAGGCAACCTGCCTCCCA-3'
Protein context (NP_000009.1, residues 226-246): ASIRTSAVPS[Pro236Leu]CGKYYTLNGS